The following is an entry in ClinVar:

ClinVar aggregate classification (germline): Uncertain significance. Review status: criteria provided, multiple submitters, no conflicts (2 of 4 stars). 2 submissions from 2 submitters: Uncertain significance (2). Last evaluated 2024-03-19.

Submissions (2):

Labcorp Genetics (formerly Invitae), Labcorp
Classification: Uncertain significance. Last evaluated: 2024-03-19. Review status: criteria provided, single submitter. Criteria: Invitae Variant Classification Sherloc (09022015). Collection method: clinical testing. Allele origin: germline.
Comment: This sequence change replaces glutamine, which is neutral and polar, with arginine, which is basic and polar, at codon 527 of the ZSWIM6 protein (p.Gln527Arg). This variant is not present in population databases (gnomAD no frequency). This variant has not been reported in the literature in individuals affected with ZSWIM6-related conditions. An algorithm developed to predict the effect of missense changes on protein structure and function (PolyPhen-2) suggests that this variant is likely to be tolerated. In summary, the available evidence is currently insufficient to determine the role of this variant in disease. Therefore, it has been classified as a Variant of Uncertain Significance.

GeneDx
Classification: Uncertain significance. Last evaluated: 2024-02-05. Review status: criteria provided, single submitter. Criteria: GeneDx Variant Classification Process June 2021. Collection method: clinical testing. Allele origin: germline. Affected: yes.
Comment: Not observed at significant frequency in large population cohorts (gnomAD); In silico analysis supports that this missense variant does not alter protein structure/function; Has not been previously published as pathogenic or benign to our knowledge

NM_020928.2(ZSWIM6):c.1580A>G (p.Gln527Arg)

Gene: ZSWIM6 (zinc finger SWIM-type containing 6; plus strand). Cytogenetic location: 5q12.1.
Variant type: single nucleotide variant.
Coding change: c.1580A>G on transcript NM_020928.2 (MANE Select); coding-DNA position 1580, A replaced by G.
Protein change: p.Gln527Arg; replaces glutamine 527 with arginine.
Molecular consequence: missense variant.
Genome position (GRCh38, 1-based): chr5:61,525,866, A>G. VCF-style: chr5-61525866-A-G. GRCh37 (hg19) VCF-style: chr5-60821693-A-G.
Other names: short protein forms Q527R.
Identifiers: ClinVar variation 3368740 (VCV003368740.3).